The following is an entry in ClinVar:

NM_000128.4(F11):c.400C>T (p.Gln134Ter)

Gene: F11 (coagulation factor XI; plus strand). Cytogenetic location: 4q35.2.
Variant type: single nucleotide variant.
Coding change: c.400C>T on transcript NM_000128.4 (MANE Select); coding-DNA position 400, C replaced by T.
Protein change: p.Gln134Ter; replaces glutamine 134 with a stop codon.
Molecular consequence: nonsense.
Genome position (GRCh38, 1-based): chr4:186,274,190, C>T. VCF-style: chr4-186274190-C-T. GRCh37 (hg19) VCF-style: chr4-187195344-C-T.
Other names: c.400C>T, p.Gln134Ter (NM_001354804.2); short protein forms Q134*.
Identifiers: ClinVar variation 188913 (VCV000188913.32), dbSNP rs756908183, ClinGen allele CA199092.

ClinVar aggregate classification (germline): Pathogenic/Likely pathogenic. Review status: criteria provided, multiple submitters, no conflicts (2 of 4 stars). 10 submissions from 10 submitters: Pathogenic (4); Likely pathogenic (5). 1 of the submissions does not count toward it. Last evaluated 2025-03-04.

Conditions:
Plasma factor XI deficiency.
F11-related disorders.
Hereditary factor XI deficiency disease. Also called: PLASMA THROMBOPLASTIN ANTECEDENT DEFICIENCY; PTA DEFICIENCY; ROSENTHAL SYNDROME; Congenital factor XI deficiency. Identifiers: Orphanet 329, MedGen C0015523, MeSH D005173, MONDO:0012897, OMIM 612416.
Abnormal bleeding. Also called: Bleeding diathesis. Identifiers: MedGen C1458140, HP:0001892.

Allele frequency attached by ClinVar (database versions not stated): gnomAD 0.00003 and 0.00004; gnomAD exomes 0.00003 and 0.00004; TOPMed 0.00003; ExAC 0.00004.

Submissions (10):

Center for Genomic Medicine, Rigshospitalet, Copenhagen University Hospital
Classification: Pathogenic. Last evaluated: 2025-03-04. Review status: criteria provided, single submitter. Criteria: ACMG Guidelines, 2015. Collection method: clinical testing. Allele origin: germline.

Natera, Inc.
Classification: Likely pathogenic for Plasma factor XI deficiency. Last evaluated: 2024-05-16. Review status: criteria provided, single submitter. Criteria: Natera Variant Classification Schema (03/2026). Collection method: clinical testing. Allele origin: germline.
Comment: The c.400C>T variant in F11 is a nonsense variant predicted to introduce a stop codon at amino acid 134. This variant is expected to result in nonsense mediated decay, truncation, or a dysfunctional protein product. This variant is rare in the general population with a frequency below the threshold expected for the associated phenotype(s). Given the available evidence, this variant is classified as Likely Pathogenic.

Labcorp Genetics (formerly Invitae), Labcorp
Classification: Pathogenic. Last evaluated: 2023-08-29. Review status: criteria provided, single submitter. Criteria: Invitae Variant Classification Sherloc (09022015). Collection method: clinical testing. Allele origin: germline.
Comment: This variant is present in population databases (rs756908183, gnomAD 0.006%). This premature translational stop signal has been observed in individual(s) with autosomal recessive severe factor XI deficiency (PMID: 16519703, 18515884). This variant is also known as Gln116X. ClinVar contains an entry for this variant (Variation ID: 188913). For these reasons, this variant has been classified as Pathogenic. This sequence change creates a premature translational stop signal (p.Gln134*) in the F11 gene. It is expected to result in an absent or disrupted protein product. Loss-of-function variants in F11 are known to be pathogenic (PMID: 23929304).

Blueprint Genetics
Classification: Likely pathogenic for F11-related disorders. Last evaluated: 2022-05-05. Review status: criteria provided, single submitter. Criteria: ACMG Guidelines, 2015. Collection method: clinical testing. Allele origin: germline. Affected: yes. Observed: 3 variant alleles.

GeneDx
Classification: Likely pathogenic. Last evaluated: 2021-12-28. Review status: criteria provided, single submitter. Criteria: GeneDx Variant Classification Process June 2021. Collection method: clinical testing. Allele origin: germline. Affected: yes.
Comment: Nonsense variant predicted to result in protein truncation or nonsense mediated decay in a gene for which loss-of-function is a known mechanism of disease; Identified in the heterozygous state in an individual with a factor XI antigen level of 43%, but who did not have spontaneous bleeding or bleeding with hemostatic challenge (Dossenbach-Glaninger et al., 2006); Identified in an individual who had minor bleeding after surgery and a factor XI antigen level of 4%, who also harbored a second variant in F11 (Castaman et al., 2008); Also known as Q116X due to alternate nomenclature; This variant is associated with the following publications: (PMID: 10593931, 18515884, 16519703)

Revvity Omics, Revvity
Classification: Likely pathogenic for Hereditary factor XI deficiency disease. Last evaluated: 2021-01-29. Review status: criteria provided, single submitter. Criteria: ACMG Guidelines, 2015. Collection method: clinical testing. Allele origin: germline.

NIHR Bioresource Rare Diseases, University of Cambridge
Classification: Pathogenic for Abnormal bleeding. Last evaluated: 2019-02-01. Review status: criteria provided, single submitter. Criteria: ACMG Guidelines, 2015. Collection method: research. Allele origin: unknown. Affected: yes. Observed: 1 heterozygote. Study: ThromboGenomics.

Fulgent Genetics
Classification: Likely pathogenic for Hereditary factor XI deficiency disease. Last evaluated: 2018-10-31. Review status: criteria provided, single submitter. Criteria: ACMG Guidelines, 2015. Collection method: clinical testing. Allele origin: unknown.

Eurofins Ntd Llc (ga)
Classification: Pathogenic. Last evaluated: 2016-06-26. Review status: criteria provided, single submitter. Criteria: EGL Classification Definitions 2015. Collection method: clinical testing. Allele origin: germline. Observed: 1 variant allele, 1 heterozygote.

Counsyl
Classification: Likely pathogenic for Hereditary factor XI deficiency disease. Last evaluated: 2014-08-06. Review status: no assertion criteria provided. Collection method: literature only. Allele origin: unknown. Inheritance: Autosomal recessive inheritance. Not counted in ClinVar's aggregate classification.

Literature cited by the submitters: PubMed 16519703 (cited by 4 submitters); PubMed 18515884 (cited by 3 submitters); PubMed 23929304 (cited by Labcorp Genetics (formerly Invitae), Labcorp); PubMed 31064749 (cited by NIHR Bioresource Rare Diseases, University of Cambridge); PubMed 10593931 (cited by Counsyl).